The following is an entry in ClinVar:

NM_000138.5(FBN1):c.6244G>C (p.Glu2082Gln)

Gene: FBN1 (fibrillin 1; minus strand). Cytogenetic location: 15q21.1.
Variant type: single nucleotide variant.
Coding change: c.6244G>C on transcript NM_000138.5 (MANE Select); coding-DNA position 6244, G replaced by C.
Protein change: p.Glu2082Gln; replaces glutamic acid 2082 with glutamine.
Molecular consequence: missense variant.
Genome position (GRCh38, 1-based): chr15:48,437,837, C>G on the plus strand (G>C on the coding strand, the complement: FBN1 is on the minus strand). VCF-style: chr15-48437837-C-G. GRCh37 (hg19) VCF-style: chr15-48730034-C-G.
Other names: short protein forms E2082Q.
Identifiers: ClinVar variation 828000 (VCV000828000.5), dbSNP rs1052480459, ClinGen allele CA269526932.

ClinVar aggregate classification (germline): Uncertain significance. Review status: criteria provided, multiple submitters, no conflicts (2 of 4 stars). 3 submissions from 3 submitters: Uncertain significance (3). Last evaluated 2025-03-19.

Conditions:
Geleophysic dysplasia 2 (GPHYSD2). Identifiers: Orphanet 2623, MedGen C3280054, MONDO:0013612, OMIM 614185.
Ectopia lentis 1, isolated, autosomal dominant (ECTOL1). Identifiers: Orphanet 1885, MedGen C3541518, MONDO:0007514, OMIM 129600.
MASS syndrome (OCTD). Also called: OVERLAP CONNECTIVE TISSUE DISEASE; MASS PHENOTYPE. Identifiers: MedGen C1858556, MONDO:0011431, OMIM 604308.
Weill-Marchesani syndrome 2, dominant. Also called: FBN1-Related Weill-Marchesani Syndrome; Weill-Marchesani Syndrome, Autosomal Dominant. Identifiers: Orphanet 2084, MedGen C1869115, MONDO:0012013, OMIM 608328.
Acromicric dysplasia (ACMICD). Also called: Acromicric skeletal dysplasia. Identifiers: Orphanet 969, MedGen C0265287, MONDO:0007055, OMIM 102370.
Marfan syndrome (MFS). Also called: FBN1-Related Marfan Syndrome; Marfan's syndrome; MARFAN SYNDROME, TYPE I; Marfan syndrome type 1; Marfan syndrome, classic. Identifiers: Orphanet 284963, Orphanet 558, MedGen C0024796, MONDO:0007947, OMIM 154700.
Stiff skin syndrome (SSKS). Identifiers: Orphanet 2833, MedGen C1861456, MONDO:0008492, OMIM 184900.
Progeroid and marfanoid aspect-lipodystrophy syndrome. Also called: MARFANOID-PROGEROID-LIPODYSTROPHY SYNDROME; Marfan lipodystrophy syndrome; MARFANOID-PROGEROID SYNDROME; MARFAN-PROGEROID-LIPODYSTROPHY SYNDROME. Identifiers: Orphanet 300382, MedGen C4310796, MONDO:0014831, OMIM 616914.
Familial thoracic aortic aneurysm and aortic dissection (TAAD). Also called: Thoracic aortic aneurysms and dissections. Identifiers: Orphanet 91387, MedGen C4707243, MONDO:0019625.

Allele frequency attached by ClinVar (database versions not stated): gnomAD 0.00001; TOPMed 0.00002.
gnomAD v4.1: 1 of 1,613,774 alleles (0.000062%); highest among the groups gnomAD compares: African/African-American, 0.0013%; no homozygotes.

Submissions (3):

Women's Health and Genetics/Laboratory Corporation of America, LabCorp
Classification: Uncertain significance. Last evaluated: 2025-03-19. Review status: criteria provided, single submitter. Criteria: LabCorp Variant Classification Summary - May 2015. Collection method: clinical testing. Allele origin: germline.
Comment: Variant summary: FBN1 c.6244G>C (p.Glu2082Gln) results in a conservative amino acid change in the encoded protein sequence. Three of five in-silico tools predict a benign effect of the variant on protein function. The variant was absent in 251098 control chromosomes. The available data on variant occurrences in the general population are insufficient to allow any conclusion about variant significance. To our knowledge, no occurrence of c.6244G>C in individuals affected with Marfan Syndrome and no experimental evidence demonstrating its impact on protein function have been reported. ClinVar contains an entry for this variant (Variation ID: 828000). Based on the evidence outlined above, the variant was classified as uncertain significance.

Labcorp Genetics (formerly Invitae), Labcorp
Classification: Uncertain significance for Marfan syndrome; Familial thoracic aortic aneurysm and aortic dissection. Last evaluated: 2024-03-16. Review status: criteria provided, single submitter. Criteria: Invitae Variant Classification Sherloc (09022015). Collection method: clinical testing. Allele origin: germline.
Comment: This sequence change replaces glutamic acid, which is acidic and polar, with glutamine, which is neutral and polar, at codon 2082 of the FBN1 protein (p.Glu2082Gln). This variant is not present in population databases (gnomAD no frequency). This variant has not been reported in the literature in individuals affected with FBN1-related conditions. ClinVar contains an entry for this variant (Variation ID: 828000). Advanced modeling of protein sequence and biophysical properties (such as structural, functional, and spatial information, amino acid conservation, physicochemical variation, residue mobility, and thermodynamic stability) has been performed at Invitae for this missense variant, however the output from this modeling did not meet the statistical confidence thresholds required to predict the impact of this variant on FBN1 protein function. In summary, the available evidence is currently insufficient to determine the role of this variant in disease. Therefore, it has been classified as a Variant of Uncertain Significance.

Center for Genomics, Ann and Robert H. Lurie Children's Hospital of Chicago
Classification: Uncertain significance for Geleophysic dysplasia 2; Weill-Marchesani syndrome 2, dominant; Ectopia lentis 1, isolated, autosomal dominant; MASS syndrome; Progeroid and marfanoid aspect-lipodystrophy syndrome; Acromicric dysplasia; Marfan syndrome; Stiff skin syndrome. Review status: criteria provided, single submitter. Criteria: ACMG Guidelines, 2015. Collection method: clinical testing. Allele origin: germline.
Comment: FBN1 NM_000138.4 exon 50 p.Glu2082Gln (c.6244G>C): This variant has not been reported in the literature and is not present in large control databases. Evolutionary conservation and computational predictive tools for this variant are unclear. In summary, data on this variant is insufficient for disease classification. Therefore, the clinical significance of this variant is uncertain.